The following is an entry in ClinVar:

NM_000094.4(COL7A1):c.3934C>T (p.Arg1312Cys)

Gene: COL7A1 (collagen type VII alpha 1 chain; minus strand). Cytogenetic location: 3p21.31.
Variant type: single nucleotide variant.
Coding change: c.3934C>T on transcript NM_000094.4 (MANE Select); coding-DNA position 3934, C replaced by T.
Protein change: p.Arg1312Cys; replaces arginine 1312 with cysteine.
Molecular consequence: missense variant.
Genome position (GRCh38, 1-based): chr3:48,585,077, G>A on the plus strand (C>T on the coding strand, the complement: COL7A1 is on the minus strand). VCF-style: chr3-48585077-G-A. GRCh37 (hg19) VCF-style: chr3-48622510-G-A.
Other names: short protein forms R1312C.
Identifiers: ClinVar variation 2153889 (VCV002153889.4), dbSNP rs375795047, ClinGen allele CA2380326.

ClinVar aggregate classification (germline): Uncertain significance (1 of 4 stars; one submission).

Allele frequency attached by ClinVar (database versions not stated): ExAC 0.00002; ESP Exome Variant Server 0.00015.
gnomAD v4.1: 22 of 1,612,162 alleles (0.0014%); highest among the groups gnomAD compares: Non-Finnish European, 0.0018%; no homozygotes.

Submission:

Labcorp Genetics (formerly Invitae), Labcorp
Classification: Uncertain significance. Last evaluated: 2024-11-27. Review status: criteria provided, single submitter. Criteria: Invitae Variant Classification Sherloc (09022015). Collection method: clinical testing. Allele origin: germline.
Comment: This sequence change replaces arginine, which is basic and polar, with cysteine, which is neutral and slightly polar, at codon 1312 of the COL7A1 protein (p.Arg1312Cys). This variant is present in population databases (rs375795047, gnomAD 0.005%). This variant has not been reported in the literature in individuals affected with COL7A1-related conditions. ClinVar contains an entry for this variant (Variation ID: 2153889). Invitae Evidence Modeling of protein sequence and biophysical properties (such as structural, functional, and spatial information, amino acid conservation, physicochemical variation, residue mobility, and thermodynamic stability) indicates that this missense variant is not expected to disrupt COL7A1 protein function with a negative predictive value of 95%. In summary, the available evidence is currently insufficient to determine the role of this variant in disease. Therefore, it has been classified as a Variant of Uncertain Significance.